The following is an entry in ClinVar:

NM_001267550.2(TTN):c.81559G>A (p.Val27187Ile)

Genes: TTN (titin; minus strand), TTN-AS1 (TTN antisense RNA 1; plus strand). Cytogenetic location: 2q31.2.
Variant type: single nucleotide variant.
Coding change: c.81559G>A on transcript NM_001267550.2 (MANE Select); coding-DNA position 81559, G replaced by A.
Protein change: p.Val27187Ile; replaces valine 27187 with isoleucine.
Molecular consequence: missense variant.
Genome position (GRCh38, 1-based): chr2:178,564,573, C>T on the plus strand (G>A on the coding strand, the complement: TTN is on the minus strand). VCF-style: chr2-178564573-C-T. GRCh37 (hg19) VCF-style: chr2-179429300-C-T.
Other names: c.76636G>A, p.Val25546Ile (NM_001256850.1); c.54364G>A, p.Val18122Ile (NM_003319.4); c.73855G>A, p.Val24619Ile (NM_133378.4); c.54739G>A, p.Val18247Ile (NM_133432.3); c.54940G>A, p.Val18314Ile (NM_133437.4); short protein forms V18122I, V18247I, V18314I, V24619I, V25546I, V27187I.
Identifiers: ClinVar variation 2651604 (VCV002651604.24), dbSNP rs764117771, ClinGen allele CA349581251.

ClinVar aggregate classification (germline): Uncertain significance (1 of 4 stars; one submission).

Submission:

CeGaT Center for Human Genetics Tuebingen
Classification: Uncertain significance. Last evaluated: 2022-05-01. Review status: criteria provided, single submitter. Criteria: CeGaT Center For Human Genetics Tuebingen Variant Classification Criteria Version 2. Collection method: clinical testing. Allele origin: germline. Affected: yes. Observed: 1 variant allele.
Comment: TTN: PM2, BP4